The following is an entry in ClinVar:

ClinVar aggregate classification (germline): Benign/Likely benign. Review status: criteria provided, multiple submitters, no conflicts (2 of 4 stars). 8 submissions from 8 submitters: Benign (4); Likely benign (2). 2 of the submissions do not count toward it. Last evaluated 2026-05-01.

Conditions:
Usher syndrome, type 1M. Identifiers: MedGen C5231434, MONDO:0032841, OMIM 618632.
Autosomal recessive nonsyndromic hearing loss 36. Also called: Deafness, autosomal recessive 36; DEAFNESS, AUTOSOMAL RECESSIVE 36, WITH VESTIBULAR INVOLVEMENT. Identifiers: Orphanet 90636, MedGen C1837007, MONDO:0012170, OMIM 609006.

Allele frequency attached by ClinVar (database versions not stated): 1000 Genomes Project 0.00180; 1000 Genomes Project 30x 0.00187; TOPMed 0.00479; ESP Exome Variant Server 0.00500; gnomAD 0.00505 and 0.00531; gnomAD exomes 0.00623; ExAC 0.00933.
gnomAD v4.1: 8,104 of 1,524,410 alleles (0.53%); highest among the groups gnomAD compares: Middle Eastern, 0.95%; 29 homozygotes.

Submissions (8):

CeGaT Center for Human Genetics Tuebingen
Classification: Likely benign. Last evaluated: 2026-05-01. Review status: criteria provided, single submitter. Criteria: CeGaT Center For Human Genetics Tuebingen Variant Classification Criteria Version 2. Collection method: clinical testing. Allele origin: germline. Affected: yes. Observed: 7 variant alleles.
Comment: ESPN: BP4, BS2

Labcorp Genetics (formerly Invitae), Labcorp
Classification: Benign. Last evaluated: 2026-01-26. Review status: criteria provided, single submitter. Criteria: Invitae Variant Classification Sherloc (09022015). Collection method: clinical testing. Allele origin: germline.

Mayo Clinic Laboratories, Mayo Clinic
Classification: Benign. Last evaluated: 2023-04-12. Review status: criteria provided, single submitter. Criteria: ACMG Guidelines, 2015. Collection method: clinical testing. Allele origin: germline. Observed: 4 variant alleles.
Comment: BA1, BS2

Fulgent Genetics
Classification: Likely benign for Autosomal recessive nonsyndromic hearing loss 36; Usher syndrome, type 1M. Last evaluated: 2021-09-24. Review status: criteria provided, single submitter. Criteria: ACMG Guidelines, 2015. Collection method: clinical testing. Allele origin: unknown.

GeneDx
Classification: Benign. Last evaluated: 2019-04-12. Review status: criteria provided, single submitter. Criteria: GeneDx Variant Classification Process June 2021. Collection method: clinical testing. Allele origin: germline. Affected: yes.

Breakthrough Genomics
Classification: Benign. Review status: criteria provided, single submitter. Criteria: ACMG Guidelines, 2015. Collection method: not provided. Allele origin: germline. Inheritance: Autosomal recessive inheritance. Affected: yes.

Clinical Genetics DNA and cytogenetics Diagnostics Lab, Erasmus MC, Erasmus Medical Center
Classification: Benign. Review status: no assertion criteria provided. Collection method: clinical testing. Allele origin: germline. Affected: yes. Study: VKGL Data-share Consensus. Not counted in ClinVar's aggregate classification.

Clinical Genetics, Academic Medical Center
Classification: Benign. Review status: no assertion criteria provided. Collection method: clinical testing. Allele origin: germline. Affected: yes. Study: VKGL Data-share Consensus. Not counted in ClinVar's aggregate classification.

NM_031475.3(ESPN):c.1286C>T (p.Thr429Ile)

Gene: ESPN (espin; plus strand). Cytogenetic location: 1p36.31.
Variant type: single nucleotide variant.
Coding change: c.1286C>T on transcript NM_031475.3 (MANE Select); coding-DNA position 1286, C replaced by T.
Protein change: p.Thr429Ile; replaces threonine 429 with isoleucine.
Molecular consequence: missense variant.
Genome position (GRCh38, 1-based): chr1:6,445,757, C>T. VCF-style: chr1-6445757-C-T. GRCh37 (hg19) VCF-style: chr1-6505817-C-T.
Other names: p.Thr429Ile; c.1286C>T, p.Thr429Ile (NM_001367473.1, NM_001367474.1); short protein forms T429I.
Identifiers: ClinVar variation 517052 (VCV000517052.37), dbSNP rs139266211, ClinGen allele CA560180.
Genomic context (GRCh38, chr1:6,445,757, plus strand): 5'-GCTACATGGACATGCTGAACCCGGAGCTGGGCCTGCCTCGGGGCACGATTGGGAAGCCCA[C>T]ACCCCCACCACCCCCACCCAGCTTCCCCCCGCCACCCCCGCCCCCAGGCACCCAACTGCC-3'
Protein context (NP_113663.2, residues 419-439): GLPRGTIGKP[Thr429Ile]PPPPPPSFPP